The following is an entry in ClinVar:

NM_130837.3(OPA1):c.2132A>C (p.Lys711Thr)

Gene: OPA1 (OPA1 mitochondrial dynamin like GTPase; plus strand). Cytogenetic location: 3q29.
Variant type: single nucleotide variant.
Coding change: c.2132A>C on transcript NM_130837.3 (MANE Select); coding-DNA position 2132, A replaced by C.
Protein change: p.Lys711Thr; replaces lysine 711 with threonine.
Molecular consequence: missense variant.
Genome position (GRCh38, 1-based): chr3:193,654,981, A>C. VCF-style: chr3-193654981-A-C. GRCh37 (hg19) VCF-style: chr3-193372770-A-C.
Other names: c.1913A>C, p.Lys638Thr (NM_130832.3); c.1970A>C, p.Lys657Thr (NM_130833.3); c.2021A>C, p.Lys674Thr (NM_130834.3); c.2024A>C, p.Lys675Thr (NM_130835.3); c.2078A>C, p.Lys693Thr (NM_130836.3); c.1598A>C, p.Lys533Thr (NM_001354663.2); c.1595A>C, p.Lys532Thr (NM_001354664.2); c.1967A>C, p.Lys656Thr (NM_015560.3); and 1 more; short protein forms K532T, K533T, K620T, K638T, K656T, K657T, K674T, K675T.
Identifiers: ClinVar variation 1315636 (VCV001315636.2), dbSNP rs2109139390, ClinGen allele CA355791229.

ClinVar aggregate classification (germline): Uncertain significance (1 of 4 stars; one submission).

Submission:

GeneDx
Classification: Uncertain significance. Last evaluated: 2019-04-25. Review status: criteria provided, single submitter. Criteria: GeneDx Variant Classification Process June 2021. Collection method: clinical testing. Allele origin: germline. Affected: yes.
Comment: Not observed in large population cohorts (Lek et al., 2016); In silico analysis, which includes protein predictors and evolutionary conservation, supports a deleterious effect; Has not been previously published as pathogenic or benign to our knowledge